The following is an entry in ClinVar:

ClinVar aggregate classification (germline): Uncertain significance (1 of 4 stars; one submission).

Allele frequency attached by ClinVar (database versions not stated): gnomAD 0.00001; gnomAD exomes below 0.00001; ExAC 0.00001; TOPMed 0.00002.
gnomAD v4.1: 4 of 1,613,594 alleles (0.00025%); highest among the groups gnomAD compares: Non-Finnish European, 0.00034%; no homozygotes.

Submission:

Labcorp Genetics (formerly Invitae), Labcorp
Classification: Uncertain significance. Last evaluated: 2025-05-25. Review status: criteria provided, single submitter. Criteria: Invitae Variant Classification Sherloc (09022015). Collection method: clinical testing. Allele origin: germline.
Comment: This sequence change replaces serine, which is neutral and polar, with asparagine, which is neutral and polar, at codon 437 of the TNFRSF11A protein (p.Ser437Asn). This variant is present in population databases (rs772560076, gnomAD 0.0009%). This variant has not been reported in the literature in individuals affected with TNFRSF11A-related conditions. ClinVar contains an entry for this variant (Variation ID: 2887198). An algorithm developed to predict the effect of missense changes on protein structure and function (PolyPhen-2) suggests that this variant is likely to be tolerated. In summary, the available evidence is currently insufficient to determine the role of this variant in disease. Therefore, it has been classified as a Variant of Uncertain Significance.

NM_003839.4(TNFRSF11A):c.1310G>A (p.Ser437Asn)

Gene: TNFRSF11A (TNF receptor superfamily member 11a; plus strand). Cytogenetic location: 18q21.33.
Variant type: single nucleotide variant.
Coding change: c.1310G>A on transcript NM_003839.4 (MANE Select); coding-DNA position 1310, G replaced by A.
Protein change: p.Ser437Asn; replaces serine 437 with asparagine.
Molecular consequence: missense variant. On other transcripts: intron variant (3).
Genome position (GRCh38, 1-based): chr18:62,369,227, G>A. VCF-style: chr18-62369227-G-A. GRCh37 (hg19) VCF-style: chr18-60036460-G-A.
Other names: c.1268G>A, p.Ser423Asn (NM_001278268.2); c.783+2467G>A (NM_001270949.2); c.730+7434G>A (NM_001270950.2); c.616+9178G>A (NM_001270951.2); short protein forms S423N, S437N.
Identifiers: ClinVar variation 2887198 (VCV002887198.3), dbSNP rs772560076, ClinGen allele CA8983946.